The following is an entry in ClinVar:

ClinVar aggregate classification (germline): Uncertain significance (1 of 4 stars; one submission).

Submission:

Labcorp Genetics (formerly Invitae), Labcorp
Classification: Uncertain significance. Last evaluated: 2025-10-09. Review status: criteria provided, single submitter. Criteria: Invitae Variant Classification Sherloc (09022015). Collection method: clinical testing. Allele origin: germline.
Comment: This sequence change replaces glutamic acid, which is acidic and polar, with glycine, which is neutral and non-polar, at codon 777 of the RASGRP1 protein (p.Glu777Gly). This variant is present in population databases (no rsID available, gnomAD 0.01%). This variant has not been reported in the literature in individuals affected with RASGRP1-related conditions. An algorithm developed to predict the effect of missense changes on protein structure and function (PolyPhen-2) suggests that this variant is likely to be disruptive. In summary, the available evidence is currently insufficient to determine the role of this variant in disease. Therefore, it has been classified as a Variant of Uncertain Significance.

NM_005739.4(RASGRP1):c.2330A>G (p.Glu777Gly)

Gene: RASGRP1 (RAS guanyl releasing protein 1; minus strand). Cytogenetic location: 15q14.
Variant type: single nucleotide variant.
Coding change: c.2330A>G on transcript NM_005739.4 (MANE Select); coding-DNA position 2330, A replaced by G.
Protein change: p.Glu777Gly; replaces glutamic acid 777 with glycine.
Molecular consequence: missense variant. On other transcripts: 3 prime UTR variant (1).
Genome position (GRCh38, 1-based): chr15:38,490,618, T>C on the plus strand (A>G on the coding strand, the complement: RASGRP1 is on the minus strand). VCF-style: chr15-38490618-T-C. GRCh37 (hg19) VCF-style: chr15-38782819-T-C.
Other names: c.2225A>G, p.Glu742Gly (NM_001128602.2); c.*45A>G (NM_001306086.2); short protein forms E742G, E777G.
Identifiers: ClinVar variation 4765708 (VCV004765708.1).